The following is an entry in ClinVar:

NM_001329943.3(KIAA0586):c.2198T>C (p.Met733Thr)

Gene: KIAA0586 (KIAA0586; plus strand). Cytogenetic location: 14q23.1.
Variant type: single nucleotide variant.
Coding change: c.2198T>C on transcript NM_001329943.3 (MANE Select); coding-DNA position 2198, T replaced by C.
Protein change: p.Met733Thr; replaces methionine 733 with threonine.
Molecular consequence: missense variant.
Genome position (GRCh38, 1-based): chr14:58,465,973, T>C. VCF-style: chr14-58465973-T-C. GRCh37 (hg19) VCF-style: chr14-58932691-T-C.
Other names: c.2357T>C, p.Met786Thr (NM_001244189.2); c.2153T>C, p.Met718Thr (NM_001244190.2); c.1943T>C, p.Met648Thr (NM_001244191.2, NM_001329945.2, NM_001364700.1 and 1 more transcripts); c.2066T>C, p.Met689Thr (NM_001244192.2); c.1778T>C, p.Met593Thr (NM_001244193.2); c.2198T>C, p.Met733Thr (NM_001329944.2, NM_001329946.2, NM_001329947.2); c.1970T>C, p.Met657Thr (NM_014749.5); c.1970T>C (NM_014749.3); short protein forms M648T, M718T, M733T, M593T, M657T, M689T, M786T.
Identifiers: ClinVar variation 1405930 (VCV001405930.7), dbSNP rs752363556, ClinGen allele CA7205806.

ClinVar aggregate classification (germline): Uncertain significance. Review status: criteria provided, multiple submitters, no conflicts (2 of 4 stars). 3 submissions from 3 submitters: Uncertain significance (3). Last evaluated 2025-03-10.

Conditions:
Inborn genetic diseases. Identifiers: MedGen C0950123, MeSH D030342.
Short-rib thoracic dysplasia 14 with polydactyly (SRTD14). Identifiers: Orphanet 397715, MedGen C4225286, MONDO:0014688, OMIM 616546.
Joubert syndrome 23 (JBTS23). Identifiers: Orphanet 475, MedGen C4084822, MONDO:0014664, OMIM 616490.

Allele frequency attached by ClinVar (database versions not stated): gnomAD 0.00003; TOPMed 0.00004; ExAC 0.00005; gnomAD exomes 0.00005.
gnomAD v4.1: 86 of 1,613,480 alleles (0.0053%); highest among the groups gnomAD compares: Non-Finnish European, 0.0067%; no homozygotes.

Submissions (3):

Ambry Genetics
Classification: Uncertain significance for Inborn genetic diseases. Last evaluated: 2025-03-10. Review status: criteria provided, single submitter. Criteria: Ambry Variant Classification Scheme 2023. Collection method: clinical testing. Allele origin: germline.

Blueprint Genetics
Classification: Uncertain significance. Last evaluated: 2023-10-23. Review status: criteria provided, single submitter. Criteria: ACMG Guidelines, 2015. Collection method: clinical testing. Allele origin: germline.

Labcorp Genetics (formerly Invitae), Labcorp
Classification: Uncertain significance for Joubert syndrome 23; Short-rib thoracic dysplasia 14 with polydactyly. Last evaluated: 2021-09-01. Review status: criteria provided, single submitter. Criteria: Invitae Variant Classification Sherloc (09022015). Collection method: clinical testing. Allele origin: germline.
Comment: This sequence change replaces methionine with threonine at codon 786 of the KIAA0586 protein (p.Met786Thr). The methionine residue is moderately conserved and there is a moderate physicochemical difference between methionine and threonine. This variant is present in population databases (rs752363556, ExAC 0.05%). This variant has not been reported in the literature in individuals affected with KIAA0586-related conditions. Algorithms developed to predict the effect of missense changes on protein structure and function are either unavailable or do not agree on the potential impact of this missense change (SIFT: "Tolerated"; PolyPhen-2: "Possibly Damaging"; Align-GVGD: "Class C0"). In summary, the available evidence is currently insufficient to determine the role of this variant in disease. Therefore, it has been classified as a Variant of Uncertain Significance.